The following is an entry in ClinVar:

ClinVar aggregate classification (germline): Uncertain significance (1 of 4 stars; one submission).

Conditions:
Neuronopathy, distal hereditary motor, type 7A. Also called: Neuronopathy, distal hereditary motor, type viia; NEURONOPATHY, DISTAL HEREDITARY MOTOR, HARDING TYPE VIIA; NEUROPATHY, DISTAL HEREDITARY MOTOR, HARDING TYPE VIIA; Neuronopathy, distal hereditary motor, autosomal dominant 7; HARPER-YOUNG MYOPATHY; HMN VIIA. Identifiers: Orphanet 139589, MedGen C1834703, MONDO:0008024, OMIM 158580.
Congenital myasthenic syndrome 20. Also called: Myasthenic syndrome, congenital, 20, presynaptic. Identifiers: MedGen C4310694, MONDO:0014939, OMIM 617143.

gnomAD v4.1: 1 of 1,614,134 alleles (0.000062%); highest among the groups gnomAD compares: Non-Finnish European, 0.000085%; no homozygotes.

Submission:

Labcorp Genetics (formerly Invitae), Labcorp
Classification: Uncertain significance for Neuronopathy, distal hereditary motor, type 7A; Congenital myasthenic syndrome 20. Last evaluated: 2024-04-20. Review status: criteria provided, single submitter. Criteria: Invitae Variant Classification Sherloc (09022015). Collection method: clinical testing. Allele origin: germline.
Comment: This sequence change replaces glycine, which is neutral and non-polar, with arginine, which is basic and polar, at codon 216 of the SLC5A7 protein (p.Gly216Arg). This variant is not present in population databases (gnomAD no frequency). This variant has not been reported in the literature in individuals affected with SLC5A7-related conditions. Advanced modeling of protein sequence and biophysical properties (such as structural, functional, and spatial information, amino acid conservation, physicochemical variation, residue mobility, and thermodynamic stability) performed at Invitae indicates that this missense variant is not expected to disrupt SLC5A7 protein function with a negative predictive value of 80%. In summary, the available evidence is currently insufficient to determine the role of this variant in disease. Therefore, it has been classified as a Variant of Uncertain Significance.

NM_021815.5(SLC5A7):c.646G>A (p.Gly216Arg)

Gene: SLC5A7 (solute carrier family 5 member 7; plus strand). Cytogenetic location: 2q12.3.
Variant type: single nucleotide variant.
Coding change: c.646G>A on transcript NM_021815.5 (MANE Select); coding-DNA position 646, G replaced by A.
Protein change: p.Gly216Arg; replaces glycine 216 with arginine.
Molecular consequence: missense variant. On other transcripts: 5 prime UTR variant (1).
Genome position (GRCh38, 1-based): chr2:108,001,945, G>A. VCF-style: chr2-108001945-G-A. GRCh37 (hg19) VCF-style: chr2-108618401-G-A.
Other names: c.646G>A, p.Gly216Arg (NM_001305005.3); c.331G>A, p.Gly111Arg (NM_001305006.3); c.-96G>A (NM_001305007.3); short protein forms G111R, G216R.
Identifiers: ClinVar variation 3762905 (VCV003762905.2).